The following is an entry in ClinVar:

NM_007294.4(BRCA1):c.5277+3A>T

Gene: BRCA1 (BRCA1 DNA repair associated; minus strand). Cytogenetic location: 17q21.31.
Variant type: single nucleotide variant.
Coding change: c.5277+3A>T on transcript NM_007294.4 (MANE Select); 3 bases into the intron after coding-DNA position 5277, A replaced by T.
Molecular consequence: intron variant.
Genome position (GRCh38, 1-based): chr17:43,057,049, T>A on the plus strand (A>T on the coding strand, the complement: BRCA1 is on the minus strand). VCF-style: chr17-43057049-T-A. GRCh37 (hg19) VCF-style: chr17-41209066-T-A.
Other names: c.1824+3A>T (NM_001408458.1, NM_001408461.1, NM_001408464.1 and 7 more transcripts); c.4386+3A>T (NM_001407967.1); c.4896+3A>T (NM_001407959.1); c.5010+3A>T (NM_001407931.1, NM_001407932.1, NM_001407928.1 and 4 more transcripts); c.5133+3A>T (NM_001407747.1, NM_001407745.1, NM_001407737.1 and 21 more transcripts); c.4893+3A>T (NM_001407962.1, NM_001407960.1); c.1464+3A>T (NM_001408512.1); c.1587+3A>T (NM_001408510.1); and 72 more.
Identifiers: ClinVar variation 865232 (VCV000865232.3), dbSNP rs397509250, ClinGen allele CA916081127.

Conditions:
Breast-ovarian cancer, familial, susceptibility to, 1 (BROVCA1). Also called: BRCA1 Hereditary Breast and Ovarian Cancer; OVARIAN CANCER, SUSCEPTIBILITY TO. Identifiers: Orphanet 145, MedGen C2676676, MONDO:0011450, OMIM 604370. Disease mechanism: loss of function.

Submission:

Brotman Baty Institute, University of Washington
No classification provided (evidence only). Condition: Breast-ovarian cancer, familial 1. Review status: no classification provided. Collection method: in vitro. Allele origin: not applicable. Functional consequence: functionally_normal.
ClinVar note: "not provided" was previously submitted as the classification for the variant. However, the classification appeared to be based only on an observation of functional data so it was converted to no classification on 2025-07-30.